The following is an entry in ClinVar:

NM_001378328.1(CELSR1):c.7256C>T (p.Ala2419Val)

Gene: CELSR1 (cadherin EGF LAG seven-pass G-type receptor 1; minus strand). Cytogenetic location: 22q13.31.
Variant type: single nucleotide variant.
Coding change: c.7256C>T on transcript NM_001378328.1 (MANE Select); coding-DNA position 7256, C replaced by T.
Protein change: p.Ala2419Val; replaces alanine 2419 with valine.
Molecular consequence: missense variant.
Genome position (GRCh38, 1-based): chr22:46,380,788, G>A on the plus strand (C>T on the coding strand, the complement: CELSR1 is on the minus strand). VCF-style: chr22-46380788-G-A. GRCh37 (hg19) VCF-style: chr22-46776685-G-A.
Other names: c.7256C>T, p.Ala2419Val (NM_014246.4); short protein forms A2419V.
Identifiers: ClinVar variation 3237431 (VCV003237431.1), dbSNP rs367891085.
Genomic context (GRCh38, chr22:46,380,788, plus strand): 5'-CCTGCGGGGGCACTCTGCCTTGGCAAAGCCCTCACATGGGGCTCCTGGCGTCACACTTAC[G>A]CCAGGGAGTGGTTCCAGAACACGCAGACAGGCTTGGTTCGCTCCTCCACCTCCAGCAGGG-3'
Protein context (NP_001365257.1, residues 2409-2429): PVCVFWNHSL[Ala2419Val]VGGTGGWSAR

ClinVar aggregate classification (germline): Uncertain significance (1 of 4 stars; one submission).

Conditions:
Lymphatic malformation 9. Identifiers: MedGen C5543365, MONDO:0030270, OMIM 619319.

Allele frequency attached by ClinVar (database versions not stated): TOPMed 0.00003; gnomAD 0.00004; ESP Exome Variant Server 0.00015.
gnomAD v4.1: 139 of 1,611,850 alleles (0.0086%); highest among the groups gnomAD compares: Non-Finnish European, 0.011%; no homozygotes.

Submission:

Clinical Genomics Laboratory, Washington University in St. Louis
Classification: Uncertain significance for Lymphatic malformation 9. Last evaluated: 2024-05-08. Review status: criteria provided, single submitter. Criteria: ACMG Guidelines, 2015. Collection method: clinical testing. Allele origin: germline.
Comment: A CELSR1 c.7256C>T (p.Ala2419Val) variant was identified at a heterozygous allelic fraction of 50%, a frequency consistent with germline origin. This variant has been reported in a somatic state in a prostate cancer sample (Grasso CS et al., PMID: 22722839). The CELSR1 c.7256C>T (p.Ala2419Val) variant is observed on 139/1,611,850 alleles in the general population (gnomAD v4.1.0). Computational predictors suggest that this variant does not impact CELSR1 function. Due to limited information, and based on ACMG/AMP guidelines for variant interpretation (Richards S et al., PMID: 25741868), the clinical significance of this variant is uncertain at this time.